The following is an entry in ClinVar:

ClinVar aggregate classification (germline): Uncertain significance. Review status: criteria provided, single submitter (1 of 4 stars). 2 submissions from 2 submitters: Uncertain significance (1). 1 of the submissions does not count toward it. Last evaluated 2023-11-06.

Conditions:
Alstrom syndrome (ALMS). Identifiers: Orphanet 64, MedGen C0268425, MONDO:0008763, OMIM 203800.
ALMS1-related disorder. Also called: ALMS1-related condition.

Allele frequency attached by ClinVar (database versions not stated): gnomAD exomes below 0.00001.
gnomAD v4.1: 1 of 1,614,048 alleles (0.000062%); highest among the groups gnomAD compares: South Asian, 0.0011%; no homozygotes.

Submissions (2):

Revvity Omics, Revvity
Classification: Uncertain significance for Alstrom syndrome. Last evaluated: 2023-11-06. Review status: criteria provided, single submitter. Criteria: ACMG Guidelines, 2015. Collection method: clinical testing. Allele origin: germline.

PreventionGenetics, part of Exact Sciences
Classification: Uncertain significance for ALMS1-related condition. Last evaluated: 2024-04-24. Review status: no assertion criteria provided. Collection method: clinical testing. Allele origin: germline. Not counted in ClinVar's aggregate classification.
Comment: The ALMS1 c.10970G>A variant is predicted to result in the amino acid substitution p.Arg3657Gln. To our knowledge, this variant has not been reported in the literature. This variant is reported in 0.039% of alleles in individuals of South Asian descent in gnomAD. At this time, the clinical significance of this variant is uncertain due to the absence of conclusive functional and genetic evidence.

NM_001378454.1(ALMS1):c.10967G>A (p.Gly3656Glu)

Gene: ALMS1 (ALMS1 centrosome and basal body associated protein; plus strand). Cytogenetic location: 2p13.1.
Variant type: single nucleotide variant.
Coding change: c.10967G>A on transcript NM_001378454.1 (MANE Select); coding-DNA position 10967, G replaced by A.
Protein change: p.Gly3656Glu; replaces glycine 3656 with glutamic acid.
Molecular consequence: missense variant.
Genome position (GRCh38, 1-based): chr2:73,572,844, G>A. VCF-style: chr2-73572844-G-A. GRCh37 (hg19) VCF-style: chr2-73799971-G-A.
Other names: c.10970G>A, p.Gly3657Glu (NM_015120.4); short protein forms G3656E, G3657E.
Identifiers: ClinVar variation 2690886 (VCV002690886.3), dbSNP rs2466445438, ClinGen allele CA347286526.